The following is an entry in ClinVar:

NM_001042492.3(NF1):c.8486G>A (p.Ser2829Asn)

Gene: NF1 (neurofibromin 1; plus strand). Cytogenetic location: 17q11.2.
Variant type: single nucleotide variant.
Coding change: c.8486G>A on transcript NM_001042492.3 (MANE Select); coding-DNA position 8486, G replaced by A.
Protein change: p.Ser2829Asn; replaces serine 2829 with asparagine.
Molecular consequence: missense variant.
Genome position (GRCh38, 1-based): chr17:31,374,121, G>A. VCF-style: chr17-31374121-G-A. GRCh37 (hg19) VCF-style: chr17-29701139-G-A.
Other names: c.8423G>A, p.Ser2808Asn (NM_000267.4); short protein forms S2808N, S2829N.
Identifiers: ClinVar variation 2008576 (VCV002008576.4), dbSNP rs773159205, ClinGen allele CA8487827.

ClinVar aggregate classification (germline): Uncertain significance (1 of 4 stars; one submission).

Conditions:
Neurofibromatosis, type 1 (NF1). Also called: Neurofibromatosis, type I; Peripheral type neurofibromatosis; VON RECKLINGHAUSEN DISEASE; NEUROFIBROMATOSIS, TYPE I, SOMATIC. Identifiers: Orphanet 636, MedGen C0027831, MONDO:0018975, OMIM 162200. Disease mechanism: loss of function.

Allele frequency attached by ClinVar (database versions not stated): gnomAD exomes below 0.00001; ExAC 0.00001.
gnomAD v4.1: 4 of 1,614,120 alleles (0.00025%); highest among the groups gnomAD compares: South Asian, 0.0033%; no homozygotes.

Submission:

Labcorp Genetics (formerly Invitae), Labcorp
Classification: Uncertain significance for Neurofibromatosis, type 1. Last evaluated: 2023-05-23. Review status: criteria provided, single submitter. Criteria: Invitae Variant Classification Sherloc (09022015). Collection method: clinical testing. Allele origin: germline.
Comment: ClinVar contains an entry for this variant (Variation ID: 2008576). Advanced modeling of protein sequence and biophysical properties (such as structural, functional, and spatial information, amino acid conservation, physicochemical variation, residue mobility, and thermodynamic stability) has been performed at Invitae for this missense variant, however the output from this modeling did not meet the statistical confidence thresholds required to predict the impact of this variant on NF1 protein function. In summary, the available evidence is currently insufficient to determine the role of this variant in disease. Therefore, it has been classified as a Variant of Uncertain Significance. This sequence change replaces serine, which is neutral and polar, with asparagine, which is neutral and polar, at codon 2808 of the NF1 protein (p.Ser2808Asn). This variant is present in population databases (rs773159205, gnomAD 0.006%). This variant has not been reported in the literature in individuals affected with NF1-related conditions.